The following is an entry in ClinVar:

ClinVar aggregate classification (germline): Likely benign. Review status: criteria provided, multiple submitters, no conflicts (2 of 4 stars). 2 submissions from 2 submitters: Likely benign (2). Last evaluated 2026-03-01.

gnomAD v4.1: 80 of 1,613,900 alleles (0.005%); highest among the groups gnomAD compares: Non-Finnish European, 0.0067%; no homozygotes.

Submissions (2):

CeGaT Center for Human Genetics Tuebingen
Classification: Likely benign. Last evaluated: 2026-03-01. Review status: criteria provided, single submitter. Criteria: CeGaT Center For Human Genetics Tuebingen Variant Classification Criteria Version 2. Collection method: clinical testing. Allele origin: germline. Affected: yes. Observed: 1 variant allele.
Comment: CHD8: BP4

Labcorp Genetics (formerly Invitae), Labcorp
Classification: Likely benign. Last evaluated: 2025-04-26. Review status: criteria provided, single submitter. Criteria: Invitae Variant Classification Sherloc (09022015). Collection method: clinical testing. Allele origin: germline.

NM_001170629.2(CHD8):c.5325G>A (p.Arg1775=)

Gene: CHD8 (chromodomain helicase DNA binding protein 8; minus strand). Cytogenetic location: 14q11.2.
Variant type: single nucleotide variant.
Coding change: c.5325G>A on transcript NM_001170629.2 (MANE Select); coding-DNA position 5325, G replaced by A.
Protein change: p.Arg1775=; no amino-acid change (arginine 1775 retained).
Molecular consequence: synonymous variant.
Genome position (GRCh38, 1-based): chr14:21,394,977, C>T on the plus strand (G>A on the coding strand, the complement: CHD8 is on the minus strand). VCF-style: chr14-21394977-C-T. GRCh37 (hg19) VCF-style: chr14-21863136-C-T.
Other names: c.4488G>A, p.Arg1496= (NM_020920.4).
Identifiers: ClinVar variation 4739889 (VCV004739889.5).